The following is an entry in ClinVar:

ClinVar aggregate classification (germline): Likely benign (0 of 4 stars; one submission).

Conditions:
SLC5A6-related disorder.

Allele frequency attached by ClinVar (database versions not stated): ExAC 0.00002; gnomAD exomes 0.00002; TOPMed 0.00002; gnomAD 0.00003; ESP Exome Variant Server 0.00008.
gnomAD v4.1: 37 of 1,614,034 alleles (0.0023%); highest among the groups gnomAD compares: Non-Finnish European, 0.003%; no homozygotes.

Submission:

PreventionGenetics, part of Exact Sciences
Classification: Likely benign for SLC5A6-related condition. Last evaluated: 2023-09-22. Review status: no assertion criteria provided. Collection method: clinical testing. Allele origin: germline.
Comment: This variant is classified as likely benign based on ACMG/AMP sequence variant interpretation guidelines (Richards et al. 2015 PMID: 25741868, with internal and published modifications).

NM_021095.4(SLC5A6):c.1392C>T (p.Leu464=)

Gene: SLC5A6 (solute carrier family 5 member 6; minus strand). Cytogenetic location: 2p23.3.
Variant type: single nucleotide variant.
Coding change: c.1392C>T on transcript NM_021095.4 (MANE Select); coding-DNA position 1392, C replaced by T.
Protein change: p.Leu464=; no amino-acid change (leucine 464 retained).
Molecular consequence: synonymous variant. On other transcripts: non-coding transcript variant (1).
Genome position (GRCh38, 1-based): chr2:27,201,818, G>A on the plus strand (C>T on the coding strand, the complement: SLC5A6 is on the minus strand). VCF-style: chr2-27201818-G-A. GRCh37 (hg19) VCF-style: chr2-27424686-G-A.
Identifiers: ClinVar variation 3051464 (VCV003051464.2), dbSNP rs371787240, ClinGen allele CA1571478.